The following is an entry in ClinVar:

NM_001166114.2(PNPLA6):c.4028A>T (p.Glu1343Val)

Gene: PNPLA6 (patatin like domain 6, lysophospholipase; plus strand). Cytogenetic location: 19p13.2.
Variant type: single nucleotide variant.
Coding change: c.4028A>T on transcript NM_001166114.2 (MANE Select); coding-DNA position 4028, A replaced by T.
Protein change: p.Glu1343Val; replaces glutamic acid 1343 with valine.
Molecular consequence: missense variant.
Genome position (GRCh38, 1-based): chr19:7,561,492, A>T. VCF-style: chr19-7561492-A-T. GRCh37 (hg19) VCF-style: chr19-7626378-A-T.
Other names: c.4058A>T, p.Glu1353Val (NM_001166111.2); c.3833A>T, p.Glu1278Val (NM_001166112.2); c.3914A>T, p.Glu1305Val (NM_001166113.1, NM_006702.5); short protein forms E1353V, E1343V, E1278V, E1305V.
Identifiers: ClinVar variation 1504212 (VCV001504212.6), dbSNP rs2024099174, ClinGen allele CA403139816.

ClinVar aggregate classification (germline): Uncertain significance. Review status: criteria provided, multiple submitters, no conflicts (2 of 4 stars). 2 submissions from 2 submitters: Uncertain significance (2). Last evaluated 2022-07-05.

Conditions:
Hereditary spastic paraplegia 39 (SPG39). Also called: SPASTIC PARAPLEGIA 39, AUTOSOMAL RECESSIVE; Spastic Paraplegia Type 39 (SPG39). Identifiers: Orphanet 139480, MedGen C2677586, MONDO:0012787, OMIM 612020.

Allele frequency attached by ClinVar (database versions not stated): gnomAD exomes below 0.00001; TOPMed below 0.00001.
gnomAD v4.1: 2 of 1,606,388 alleles (0.00012%); highest among the groups gnomAD compares: African/African-American, 0.0013%; no homozygotes.

Submissions (2):

Labcorp Genetics (formerly Invitae), Labcorp
Classification: Uncertain significance for Hereditary spastic paraplegia 39. Last evaluated: 2022-07-05. Review status: criteria provided, single submitter. Criteria: Invitae Variant Classification Sherloc (09022015). Collection method: clinical testing. Allele origin: germline.
Comment: This sequence change replaces glutamic acid, which is acidic and polar, with valine, which is neutral and non-polar, at codon 1305 of the PNPLA6 protein (p.Glu1305Val). This variant is not present in population databases (gnomAD no frequency). This variant has not been reported in the literature in individuals affected with PNPLA6-related conditions. ClinVar contains an entry for this variant (Variation ID: 1504212). Algorithms developed to predict the effect of missense changes on protein structure and function (SIFT, PolyPhen-2, Align-GVGD) all suggest that this variant is likely to be tolerated. In summary, the available evidence is currently insufficient to determine the role of this variant in disease. Therefore, it has been classified as a Variant of Uncertain Significance.

Blueprint Genetics
Classification: Uncertain significance. Last evaluated: 2018-11-13. Review status: criteria provided, single submitter. Criteria: ACMG Guidelines, 2015. Collection method: clinical testing. Allele origin: germline.